The following is an entry in ClinVar:

NM_001909.5(CTSD):c.173C>T (p.Ala58Val)

Genes: PRADX (PRC2 and DDX5 associated lncRNA; plus strand), CTSD (cathepsin D; minus strand). Cytogenetic location: 11p15.5.
Variant type: single nucleotide variant.
Coding change: c.173C>T on transcript NM_001909.5 (MANE Select); coding-DNA position 173, C replaced by T.
Protein change: p.Ala58Val; replaces alanine 58 with valine.
Molecular consequence: missense variant.
Genome position (GRCh38, 1-based): chr11:1,761,364, G>A on the plus strand (C>T on the coding strand, the complement: CTSD is on the minus strand). VCF-style: chr11-1761364-G-A. GRCh37 (hg19) VCF-style: chr11-1782594-G-A.
Other names: p.A58V:GCG>GTG; short protein forms A58V.
Identifiers: ClinVar variation 128873 (VCV000128873.31), dbSNP rs17571, ClinGen allele CA288797.
Genomic context (GRCh38, chr11:1,761,364, plus strand): 5'-CTCACGTCCATGTAGTTCTTGAGCACCTCGGGAATGGGCCCCTCGGTCACGGCTGGCACC[G>A]CCTGGGAGTACTTTGAGACGGGGCCTTTGGCAATCAGGTCCTCCACAGAGCCCCCAACCT-3'
Protein context (NP_001900.1, residues 48-68): AKGPVSKYSQ[Ala58Val]VPAVTEGPIP

ClinVar aggregate classification (germline): Benign/Likely benign. Review status: criteria provided, multiple submitters, no conflicts (2 of 4 stars). 13 submissions from 13 submitters: Benign (7); Likely benign (3). 3 of the submissions do not count toward it. Last evaluated 2026-02-04.

Conditions:
Inborn genetic diseases. Identifiers: MedGen C0950123, MeSH D030342.
Neuronal ceroid lipofuscinosis. Also called: Neuronal Ceroid Lipofuscinoses. Identifiers: Orphanet 216, Orphanet 79263, MedGen C0027877, MONDO:0016295. Disease mechanism: loss of function.
Neuronal ceroid lipofuscinosis 10 (CLN10). Also called: NEURONAL CEROID LIPOFUSCINOSIS DUE TO CATHEPSIN D DEFICIENCY; CTSD-Related Neuronal Ceroid-Lipofuscinosis. Identifiers: Orphanet 228337, MedGen C1864669, MONDO:0012414, OMIM 610127.

Allele frequency attached by ClinVar (database versions not stated): 1000 Genomes Project 30x 0.05512; 1000 Genomes Project 0.05531; gnomAD 0.06134 and 0.06284; TOPMed 0.06181; ESP Exome Variant Server 0.06437; gnomAD exomes 0.06995 and 0.07956; ExAC 0.07041.
gnomAD v4.1: 125,912 of 1,613,604 alleles (7.8%); highest among the groups gnomAD compares: Middle Eastern, 13%; 5,321 homozygotes.

Submissions (13):

Labcorp Genetics (formerly Invitae), Labcorp
Classification: Benign for Neuronal ceroid lipofuscinosis. Last evaluated: 2026-02-04. Review status: criteria provided, single submitter. Criteria: Invitae Variant Classification Sherloc (09022015). Collection method: clinical testing. Allele origin: germline.

Women's Health and Genetics/Laboratory Corporation of America, LabCorp
Classification: Likely benign. Last evaluated: 2021-12-10. Review status: criteria provided, single submitter. Criteria: LabCorp Variant Classification Summary - May 2015. Collection method: clinical testing. Allele origin: germline.

Athena Diagnostics
Classification: Benign. Last evaluated: 2018-05-07. Review status: criteria provided, single submitter. Criteria: Athena Diagnostics Criteria. Collection method: clinical testing. Allele origin: germline.

Illumina Laboratory Services, Illumina
Classification: Likely benign for Neuronal ceroid lipofuscinosis 10. Last evaluated: 2017-04-27. Review status: criteria provided, single submitter. Criteria: ICSL Variant Classification Criteria 13 December 2019. Collection method: clinical testing. Allele origin: germline.
Comment: This variant was observed as part of a predisposition screen in an ostensibly healthy population. A literature search was performed for the gene, cDNA change, and amino acid change (where applicable). Publications were found based on this search. The evidence from the literature, in combination with allele frequency data from public databases where available, was sufficient to determine this variant is unlikely to cause disease. Therefore, this variant is classified as likely benign.

Ambry Genetics
Classification: Benign for Inborn genetic diseases. Last evaluated: 2015-12-15. Review status: criteria provided, single submitter. Criteria: Ambry Variant Classification Scheme 2023. Collection method: clinical testing. Allele origin: germline.

Clinical Genetics DNA and cytogenetics Diagnostics Lab, Erasmus MC, Erasmus Medical Center
Classification: Benign for Neuronal ceroid lipofuscinosis 10. Last evaluated: 2015-09-21. Review status: criteria provided, single submitter. Criteria: ACGS Guidelines, 2013. Collection method: clinical testing. Allele origin: germline. Affected: yes. Study: VKGL Data-share Consensus.

Eurofins Ntd Llc (ga)
Classification: Benign. Last evaluated: 2015-01-02. Review status: criteria provided, single submitter. Criteria: EGL Classification Definitions 2015. Collection method: clinical testing. Allele origin: germline.

GeneDx
Classification: Benign. Last evaluated: 2013-10-08. Review status: criteria provided, single submitter. Criteria: GeneDx Variant Classification (06012015). Collection method: clinical testing. Allele origin: germline. Affected: yes.
Comment: This variant is considered likely benign or benign based on one or more of the following criteria: it is a conservative change, it occurs at a poorly conserved position in the protein, it is predicted to be benign by multiple in silico algorithms, and/or has population frequency not consistent with disease.

Breakthrough Genomics
Classification: Likely benign. Review status: criteria provided, single submitter. Criteria: ACMG Guidelines, 2015. Collection method: not provided. Allele origin: germline. Inheritance: Autosomal recessive inheritance. Affected: yes.

PreventionGenetics, part of Exact Sciences
Classification: Benign. Review status: criteria provided, single submitter. Criteria: ACMG Guidelines, 2015. Collection method: clinical testing. Allele origin: germline.

Genome Diagnostics Laboratory, Amsterdam University Medical Center
Classification: Benign for Neuronal ceroid lipofuscinosis 10. Last evaluated: 2017-09-15. Review status: no assertion criteria provided. Criteria: ACGS Guidelines, 2013. Collection method: clinical testing. Allele origin: germline. Affected: yes. Study: VKGL Data-share Consensus. Not counted in ClinVar's aggregate classification.

Mayo Clinic Laboratories, Mayo Clinic
Classification: Benign. Last evaluated: 2015-10-26. Review status: no assertion criteria provided. Collection method: clinical testing. Allele origin: unknown. Not counted in ClinVar's aggregate classification.

Genetic Services Laboratory, University of Chicago
Classification: Likely benign for AllHighlyPenetrant. Review status: no assertion criteria provided. Collection method: clinical testing. Allele origin: germline. Inheritance: Autosomal recessive inheritance. Not counted in ClinVar's aggregate classification.
Comment: Likely benign based on allele frequency in 1000 Genomes Project or ESP global frequency and its presence in a patient with a rare or unrelated disease phenotype. NOT Sanger confirmed.

Literature cited by the submitters: PubMed 10218883 (cited by Illumina Laboratory Services, Illumina).